The following is an entry in ClinVar:

ClinVar aggregate classification (germline): Uncertain significance (1 of 4 stars; one submission).

Conditions:
Hajdu-Cheney syndrome (HJCYS). Also called: ACROOSTEOLYSIS WITH OSTEOPOROSIS AND CHANGES IN SKULL AND MANDIBLE; SERPENTINE FIBULA-POLYCYSTIC KIDNEY SYNDROME; Acroosteolysis dominant type. Identifiers: Orphanet 955, MedGen C0917715, MONDO:0007057, OMIM 102500.

Submission:

Labcorp Genetics (formerly Invitae), Labcorp
Classification: Uncertain significance for Hajdu-Cheney syndrome. Last evaluated: 2023-04-05. Review status: criteria provided, single submitter. Criteria: Invitae Variant Classification Sherloc (09022015). Collection method: clinical testing. Allele origin: germline.
Comment: This sequence change replaces aspartic acid, which is acidic and polar, with glutamic acid, which is acidic and polar, at codon 813 of the NOTCH2 protein (p.Asp813Glu). This variant is not present in population databases (gnomAD no frequency). This variant has not been reported in the literature in individuals affected with NOTCH2-related conditions. Advanced modeling of protein sequence and biophysical properties (such as structural, functional, and spatial information, amino acid conservation, physicochemical variation, residue mobility, and thermodynamic stability) performed at Invitae indicates that this missense variant is not expected to disrupt NOTCH2 protein function. In summary, the available evidence is currently insufficient to determine the role of this variant in disease. Therefore, it has been classified as a Variant of Uncertain Significance.

NM_024408.4(NOTCH2):c.2439C>G (p.Asp813Glu)

Gene: NOTCH2 (notch receptor 2; minus strand). Cytogenetic location: 1p12.
Variant type: single nucleotide variant.
Coding change: c.2439C>G on transcript NM_024408.4 (MANE Select); coding-DNA position 2439, C replaced by G.
Protein change: p.Asp813Glu; replaces aspartic acid 813 with glutamic acid.
Molecular consequence: missense variant.
Genome position (GRCh38, 1-based): chr1:119,950,764, G>C on the plus strand (C>G on the coding strand, the complement: NOTCH2 is on the minus strand). VCF-style: chr1-119950764-G-C. GRCh37 (hg19) VCF-style: chr1-120493387-G-C.
Other names: c.2439C>G, p.Asp813Glu (NM_001200001.2); short protein forms D813E.
Identifiers: ClinVar variation 2852136 (VCV002852136.3), dbSNP rs781994761, ClinGen allele CA341861720.